The following is an entry in ClinVar:

NM_005505.5(SCARB1):c.409C>T (p.Pro137Ser)

Gene: SCARB1 (scavenger receptor class B member 1; minus strand). Cytogenetic location: 12q24.31.
Variant type: single nucleotide variant.
Coding change: c.409C>T on transcript NM_005505.5 (MANE Select); coding-DNA position 409, C replaced by T.
Protein change: p.Pro137Ser; replaces proline 137 with serine.
Molecular consequence: missense variant. On other transcripts: non-coding transcript variant (9).
Genome position (GRCh38, 1-based): chr12:124,814,990, G>A on the plus strand (C>T on the coding strand, the complement: SCARB1 is on the minus strand). VCF-style: chr12-124814990-G-A. GRCh37 (hg19) VCF-style: chr12-125299536-G-A.
Other names: c.409C>T, p.Pro137Ser (NM_001082959.2, NM_001367981.1, NM_001367983.1 and 6 more transcripts); c.286C>T, p.Pro96Ser (NM_001367982.1); short protein forms P96S, P137S.
Identifiers: ClinVar variation 4691029 (VCV004691029.1).
Genomic context (GRCh38, chr12:124,814,990, plus strand): 5'-GAGGTCAGGGTGCGAGGCGGCGTGGGCCACAGGGCAGCCTCACCAAGACCAGGATGTTGG[G>A]CATGACGATGTAGTCGCTCTCCGAGCCGTGGGACTTGGAGGGCTGGAACTGGAAGGTGCG-3'
Protein context (NP_005496.4, residues 127-147): HGSESDYIVM[Pro137Ser]NILVLGAAVM

ClinVar aggregate classification (germline): Uncertain significance (1 of 4 stars; one submission).

gnomAD v4.1: 28 of 1,614,194 alleles (0.0017%); highest among the groups gnomAD compares: Non-Finnish European, 0.0022%; no homozygotes.

Submission:

Labcorp Genetics (formerly Invitae), Labcorp
Classification: Uncertain significance. Last evaluated: 2025-05-22. Review status: criteria provided, single submitter. Criteria: Invitae Variant Classification Sherloc (09022015). Collection method: clinical testing. Allele origin: germline.
Comment: This sequence change replaces proline, which is neutral and non-polar, with serine, which is neutral and polar, at codon 137 of the SCARB1 protein (p.Pro137Ser). This variant is present in population databases (rs745812266, gnomAD 0.003%). This variant has not been reported in the literature in individuals affected with SCARB1-related conditions. Invitae Evidence Modeling of protein sequence and biophysical properties (such as structural, functional, and spatial information, amino acid conservation, physicochemical variation, residue mobility, and thermodynamic stability) indicates that this missense variant is expected to disrupt SCARB1 protein function with a positive predictive value of 80%. In summary, the available evidence is currently insufficient to determine the role of this variant in disease. Therefore, it has been classified as a Variant of Uncertain Significance.